The following is an entry in ClinVar:

ClinVar aggregate classification (germline): Uncertain significance. Review status: criteria provided, multiple submitters, no conflicts (2 of 4 stars). 3 submissions from 3 submitters: Uncertain significance (3). Last evaluated 2025-12-02.

Conditions:
Hereditary cancer-predisposing syndrome. Also called: Hereditary neoplastic syndrome; Neoplastic Syndromes, Hereditary; Hereditary Cancer Syndrome; Tumor predisposition. Identifiers: Orphanet 140162, MedGen C0027672, MeSH D009386, MONDO:0015356.
Tuberous sclerosis 2 (TSC2). Identifiers: Orphanet 805, MedGen C1860707, MONDO:0013199, OMIM 613254.

Submissions (3):

Labcorp Genetics (formerly Invitae), Labcorp
Classification: Uncertain significance for Tuberous sclerosis 2. Last evaluated: 2025-12-02. Review status: criteria provided, single submitter. Criteria: Invitae Variant Classification Sherloc (09022015). Collection method: clinical testing. Allele origin: germline.
Comment: This sequence change replaces histidine, which is basic and polar, with aspartic acid, which is acidic and polar, at codon 522 of the TSC2 protein (p.His522Asp). This variant is not present in population databases (gnomAD no frequency). This variant has not been reported in the literature in individuals affected with TSC2-related conditions. ClinVar contains an entry for this variant (Variation ID: 1387023). Invitae Evidence Modeling of protein sequence and biophysical properties (such as structural, functional, and spatial information, amino acid conservation, physicochemical variation, residue mobility, and thermodynamic stability) indicates that this missense variant is not expected to disrupt TSC2 protein function with a negative predictive value of 95%. In summary, the available evidence is currently insufficient to determine the role of this variant in disease. Therefore, it has been classified as a Variant of Uncertain Significance.

Ambry Genetics
Classification: Uncertain significance for Hereditary cancer-predisposing syndrome. Last evaluated: 2025-06-23. Review status: criteria provided, single submitter. Criteria: Ambry Variant Classification Scheme 2023. Collection method: clinical testing. Allele origin: germline.
Comment: The p.H522D variant (also known as c.1564C>G), located in coding exon 14 of the TSC2 gene, results from a C to G substitution at nucleotide position 1564. The histidine at codon 522 is replaced by aspartic acid, an amino acid with similar properties. This amino acid position is conserved. In addition, the in silico prediction for this alteration is inconclusive. Based on the available evidence, the clinical significance of this variant remains unclear.

GeneDx
Classification: Uncertain significance. Last evaluated: 2025-03-26. Review status: criteria provided, single submitter. Criteria: GeneDx Variant Classification Process June 2021. Collection method: clinical testing. Allele origin: germline. Affected: yes.
Comment: Not observed at significant frequency in large population cohorts (gnomAD); In silico analysis supports that this missense variant has a deleterious effect on protein structure/function; Has not been previously published as pathogenic or benign to our knowledge

NM_000548.5(TSC2):c.1564C>G (p.His522Asp)

Gene: TSC2 (TSC complex subunit 2; plus strand). Cytogenetic location: 16p13.3.
Variant type: single nucleotide variant.
Coding change: c.1564C>G on transcript NM_000548.5 (MANE Select); coding-DNA position 1564, C replaced by G.
Protein change: p.His522Asp; replaces histidine 522 with aspartic acid.
Molecular consequence: missense variant.
Genome position (GRCh38, 1-based): chr16:2,064,392, C>G. VCF-style: chr16-2064392-C-G. GRCh37 (hg19) VCF-style: chr16-2114393-C-G.
Other names: c.1564C>G, p.His522Asp (NM_001077183.3, NM_001114382.3, NM_001363528.2 and 3 more transcripts); c.1453C>G, p.His485Asp (NM_001318827.2); c.1417C>G, p.His473Asp (NM_001318829.2); c.964C>G, p.His322Asp (NM_001318831.2); c.1597C>G, p.His533Asp (NM_001318832.2); c.1564C>G (NM_000548.3); short protein forms H522D, H473D, H533D, H322D, H485D.
Identifiers: ClinVar variation 1387023 (VCV001387023.7), dbSNP rs397514991, ClinGen allele CA394326560.